The following is an entry in ClinVar:

ClinVar aggregate classification (germline): Benign/Likely benign. Review status: criteria provided, multiple submitters, no conflicts (2 of 4 stars). 3 submissions from 3 submitters: Benign (1); Likely benign (1). 1 of the submissions does not count toward it. Last evaluated 2025-10-02.

Conditions:
PHEX-related disorder. Also called: PHEX-related condition.

Allele frequency attached by ClinVar (database versions not stated): TOPMed 0.00002; ExAC 0.00003; gnomAD exomes 0.00004 and 0.00005; gnomAD 0.00005 and 0.00006; ESP Exome Variant Server 0.00010.

Submissions (3):

Labcorp Genetics (formerly Invitae), Labcorp
Classification: Benign. Last evaluated: 2025-10-02. Review status: criteria provided, single submitter. Criteria: Invitae Variant Classification Sherloc (09022015). Collection method: clinical testing. Allele origin: germline.

Laboratory of Genetics, Children's Clinical University Hospital Latvia
Classification: Likely benign. Last evaluated: 2025-02-16. Review status: criteria provided, single submitter. Criteria: ACMG Guidelines, 2015. Collection method: clinical testing. Allele origin: germline. Affected: yes.

PreventionGenetics, part of Exact Sciences
Classification: Likely benign for PHEX-related condition. Last evaluated: 2020-08-14. Review status: no assertion criteria provided. Collection method: clinical testing. Allele origin: germline. Not counted in ClinVar's aggregate classification.
Comment: This variant is classified as likely benign based on ACMG/AMP sequence variant interpretation guidelines (Richards et al. 2015 PMID: 25741868, with internal and published modifications).

NM_000444.6(PHEX):c.1405-4del

Genes: PHEX-AS1 (PHEX antisense RNA 1; minus strand), PHEX (phosphate regulating endopeptidase X-linked; plus strand). Cytogenetic location: Xp22.11.
Variant type: Deletion.
Coding change: c.1405-4del on transcript NM_000444.6 (MANE Select); 4 bases into the intron before coding-DNA position 1405, one base deleted (G; older notation c.1405-4delG).
Molecular consequence: intron variant.
Genome position (GRCh38, 1-based): chrX:22,168,308, G deleted. VCF-style (leftmost placement, unchanged base first): chrX-22168307-TG-T. GRCh37 (hg19) VCF-style: chrX-22186424-TG-T.
Other names: c.1405-4del (NM_001282754.2); c.1405-4delG (NM_000444.5).
Identifiers: ClinVar variation 1559183 (VCV001559183.11), dbSNP rs746671817, ClinGen allele CA10368250.